The following is an entry in ClinVar:

ClinVar aggregate classification (germline): Benign/Likely benign. Review status: criteria provided, multiple submitters, no conflicts (2 of 4 stars). 9 submissions from 9 submitters: Benign (7); Likely benign (1). 1 of the submissions does not count toward it. Last evaluated 2026-02-03.

Conditions:
Inborn genetic diseases. Identifiers: MedGen C0950123, MeSH D030342.
Neuronal ceroid lipofuscinosis. Also called: Neuronal Ceroid Lipofuscinoses. Identifiers: Orphanet 216, Orphanet 79263, MedGen C0027877, MONDO:0016295. Disease mechanism: loss of function.
Neuronal ceroid lipofuscinosis 3 (CLN3). Identifiers: Orphanet 228346, MedGen C0751383, MONDO:0008767, OMIM 204200.

Allele frequency attached by ClinVar (database versions not stated): TOPMed 0.00561; 1000 Genomes Project 0.00699; ExAC 0.00852; gnomAD 0.00312; 1000 Genomes Project 30x 0.00671; ESP Exome Variant Server 0.00131; gnomAD exomes 0.00937.
gnomAD v4.1: 5,062 of 1,613,650 alleles (0.31%); highest among the groups gnomAD compares: East Asian, 5.1%; 148 homozygotes.

Submissions (9):

Labcorp Genetics (formerly Invitae), Labcorp
Classification: Benign for Neuronal ceroid lipofuscinosis. Last evaluated: 2026-02-03. Review status: criteria provided, single submitter. Criteria: Invitae Variant Classification Sherloc (09022015). Collection method: clinical testing. Allele origin: germline.

Athena Diagnostics
Classification: Benign. Last evaluated: 2024-09-25. Review status: criteria provided, single submitter. Criteria: Athena Diagnostics Criteria. Collection method: clinical testing. Allele origin: unknown.

Mayo Clinic Laboratories, Mayo Clinic
Classification: Benign. Last evaluated: 2023-01-25. Review status: criteria provided, single submitter. Criteria: ACMG Guidelines, 2015. Collection method: clinical testing. Allele origin: germline. Observed: 22 variant alleles.
Comment: BS1, BS2

Illumina Laboratory Services, Illumina
Classification: Benign for Neuronal ceroid lipofuscinosis 3. Last evaluated: 2018-01-12. Review status: criteria provided, single submitter. Criteria: ICSL Variant Classification Criteria 13 December 2019. Collection method: clinical testing. Allele origin: germline.
Comment: This variant was observed in the ICSL laboratory as part of a predisposition screen in an ostensibly healthy population. It had not been previously curated by ICSL or reported in the Human Gene Mutation Database (HGMD: prior to June 1st, 2018), and was therefore a candidate for classification through an automated scoring system. Utilizing variant allele frequency, disease prevalence and penetrance estimates, and inheritance mode, an automated score was calculated to assess if this variant is too frequent to cause the disease. Based on the score and internal cut-off values, a variant classified as benign is not then subjected to further curation. The score for this variant resulted in a classification of benign for this disease.

Ambry Genetics
Classification: Benign for Inborn genetic diseases. Last evaluated: 2016-03-14. Review status: criteria provided, single submitter. Criteria: Ambry Variant Classification Scheme 2023. Collection method: clinical testing. Allele origin: germline.

Eurofins Ntd Llc (ga)
Classification: Benign. Last evaluated: 2014-04-07. Review status: criteria provided, single submitter. Criteria: EGL Classification Definitions 2015. Collection method: clinical testing. Allele origin: germline. Observed: 1 variant allele, 1 heterozygote.

GeneDx
Classification: Benign. Last evaluated: 2012-05-10. Review status: criteria provided, single submitter. Criteria: GeneDx Variant Classification (06012015). Collection method: clinical testing. Allele origin: germline. Affected: yes.
Comment: This variant is considered likely benign or benign based on one or more of the following criteria: it is a conservative change, it occurs at a poorly conserved position in the protein, it is predicted to be benign by multiple in silico algorithms, and/or has population frequency not consistent with disease.

Breakthrough Genomics
Classification: Likely benign. Review status: criteria provided, single submitter. Criteria: ACMG Guidelines, 2015. Collection method: not provided. Allele origin: germline. Inheritance: Autosomal recessive inheritance. Affected: yes.

Genetic Services Laboratory, University of Chicago
Classification: Likely benign for AllHighlyPenetrant. Review status: no assertion criteria provided. Collection method: clinical testing. Allele origin: germline. Inheritance: Autosomal recessive inheritance. Not counted in ClinVar's aggregate classification.
Comment: Likely benign based on allele frequency in 1000 Genomes Project or ESP global frequency and its presence in a patient with a rare or unrelated disease phenotype. NOT Sanger confirmed.

Literature cited by the submitters: PubMed 26544041 (cited by Athena Diagnostics); PubMed 32412666 (cited by Athena Diagnostics); PubMed 29140481 (cited by Athena Diagnostics); PubMed 31273342 (cited by Athena Diagnostics).

NM_001042432.2(CLN3):c.313A>G (p.Ile105Val)

Gene: CLN3 (CLN3 lysosomal/endosomal transmembrane protein, battenin; minus strand). Cytogenetic location: 16p12.1.
Variant type: single nucleotide variant.
Coding change: c.313A>G on transcript NM_001042432.2 (MANE Select); coding-DNA position 313, A replaced by G.
Protein change: p.Ile105Val; replaces isoleucine 105 with valine.
Molecular consequence: missense variant. On other transcripts: intron variant (1).
Genome position (GRCh38, 1-based): chr16:28,487,723, T>C on the plus strand (A>G on the coding strand, the complement: CLN3 is on the minus strand). VCF-style: chr16-28487723-T-C. GRCh37 (hg19) VCF-style: chr16-28499044-T-C.
Other names: p.I105V:ATC>GTC; c.313A>G, p.Ile105Val (NM_000086.2); c.241A>G, p.Ile81Val (NM_001286104.2); c.79A>G, p.Ile27Val (NM_001286109.2); c.151A>G, p.Ile51Val (NM_001286110.2); c.75-182A>G (NM_001286105.2); short protein forms I105V, I27V, I51V, I81V.
Identifiers: ClinVar variation 128777 (VCV000128777.30), dbSNP rs11552531, ClinGen allele CA288730.